The following is an entry in ClinVar:

NM_000179.3(MSH6):c.3227G>A (p.Arg1076His)

Gene: MSH6 (mutS homolog 6; plus strand). Cytogenetic location: 2p16.3.
Variant type: single nucleotide variant.
Coding change: c.3227G>A on transcript NM_000179.3 (MANE Select); coding-DNA position 3227, G replaced by A.
Protein change: p.Arg1076His; replaces arginine 1076 with histidine.
Molecular consequence: missense variant.
Genome position (GRCh38, 1-based): chr2:47,803,474, G>A. VCF-style: chr2-47803474-G-A. GRCh37 (hg19) VCF-style: chr2-48030613-G-A.
Other names: c.2837G>A, p.Arg946His (NM_001281492.2); c.2321G>A, p.Arg774His (NM_001281493.2, NM_001281494.2); short protein forms R1076H, R946H, R774H.
Identifiers: ClinVar variation 186361 (VCV000186361.38), dbSNP rs779617676, ClinGen allele CA012072.

ClinVar aggregate classification (germline): Conflicting classifications of pathogenicity. Review status: criteria provided, conflicting classifications (1 of 4 stars). 15 submissions from 14 submitters: Pathogenic (3); Likely pathogenic (9); Uncertain significance (1). 2 of the submissions do not count toward it. Last evaluated 2026-09-11.

Conditions:
Hereditary nonpolyposis colorectal neoplasms. Identifiers: MedGen C0009405, MeSH D003123.
Lynch syndrome. Identifiers: Orphanet 144, MedGen C4552100, MONDO:0005835. Disease mechanism: loss of function.
Endometrial carcinoma. Also called: Endometrial carcinoma, somatic. Identifiers: MedGen C0476089, MONDO:0002447, OMIM 608089, HP:0012114.
Inherited ovarian cancer (without breast cancer).
Inherited MMR deficiency (Lynch syndrome).
Hereditary nonpolyposis colon cancer (HNPCC). Also called: Hereditary Nonpolyposis Colorectal Cancer Syndrome; Hereditary nonpolyposis colorectal cancer; Familial nonpolyposis colon cancer. Identifiers: Orphanet 443909, MedGen C1333990, MONDO:0018630. Disease mechanism: loss of function.
Hereditary cancer-predisposing syndrome. Also called: Hereditary Cancer Syndrome; Tumor predisposition; Hereditary neoplastic syndrome; Neoplastic Syndromes, Hereditary. Identifiers: Orphanet 140162, MedGen C0027672, MeSH D009386, MONDO:0015356.

Allele frequency attached by ClinVar (database versions not stated): gnomAD exomes below 0.00001 and 0.00001; TOPMed below 0.00001; ExAC 0.00001.
gnomAD v4.1: 7 of 1,613,980 alleles (0.00043%); highest among the groups gnomAD compares: African/African-American, 0.0013%; no homozygotes.

Submissions 1 to 7 of 15:

Genetics Laboratory, Great Ormond Street Hospital NHS Foundation Trust, North Thames Genomic Laboratory Hub
Classification: Likely pathogenic for Inherited ovarian cancer (without breast cancer). Last evaluated: 2026-09-11. Review status: criteria provided, single submitter. Criteria: CanVIG MMR Gene Specific V1.7. Collection method: clinical testing. Allele origin: germline. Affected: yes.
Comment: PM2_supporting, PP3_supporting, PP4_strong

Genetics Laboratory, Great Ormond Street Hospital NHS Foundation Trust, North Thames Genomic Laboratory Hub
Classification: Likely pathogenic for Inherited MMR deficiency (Lynch syndrome). Last evaluated: 2026-09-11. Review status: criteria provided, single submitter. Criteria: CanVIG MMR Gene Specific V1.7. Collection method: clinical testing. Allele origin: germline. Affected: yes.
Comment: the same text as in the submission from Genetics Laboratory, Great Ormond Street Hospital NHS Foundation Trust, North Thames Genomic Laboratory Hub above.

Clinical Genetics Lab, Heritas
Classification: Likely pathogenic for Lynch syndrome. Last evaluated: 2026-02-20. Review status: criteria provided, single submitter. Criteria: ClinGen CRC ACMG Specifications MSH6 V2.0.0. Collection method: clinical testing. Allele origin: germline. Inheritance: Autosomal dominant inheritance. Affected: yes.
Comment: The variant MSH6 c.3227G>A is located in exon 5, resulting in a missense change at the protein level (p.Arg1076His). This variant has been reported in individuals diagnosed with Lynch syndrome and in patients with pancreatic, colorectal, and breast cancers (PMID: 24710284, 26556299, 27153395, 29263802, 28767289, 31857677, 31997046, 32659497, 34404389, 37088804). In some cases, tumors demonstrated high microsatellite instability (MSI-H) and/or loss of MSH6 protein expression (PMID: 31997046; internal data from CanVIG UK). The variant is present at a very low frequency in control populations (gnomAD v4.1.0 allele frequency: 0.000004337). Another variant affecting the same amino acid residue (c.3226C>T; p.Arg1076Cys) has been classified as likely pathogenic by the InSiGHT expert panel. In silico prediction using HCI-PRIORS supports a deleterious effect on protein structure and function. Based on the available evidence, this variant has been classified as Likely Pathogenic, in accordance with ACMG/AMP and InSiGHT Hereditary Colorectal Cancer/Polyposis VCEP guidelines (PM2_SUP, PM5_SUP, PP3_SUP, PP4_STR).

Labcorp Genetics (formerly Invitae), Labcorp
Classification: Pathogenic for Hereditary nonpolyposis colorectal neoplasms. Last evaluated: 2025-12-20. Review status: criteria provided, single submitter. Criteria: Invitae Variant Classification Sherloc (09022015). Collection method: clinical testing. Allele origin: germline.
Comment: This sequence change replaces arginine, which is basic and polar, with histidine, which is basic and polar, at codon 1076 of the MSH6 protein (p.Arg1076His). This variant is present in population databases (rs779617676, gnomAD 0.002%). This missense change has been observed in individuals with Lynch syndrome and/or MSH6-related conditions (PMID: 24710284, 26898890, 31997046; external communication). Invitae Evidence Modeling of clinical and family history, age, sex, and reported ancestry of multiple individuals with this MSH6 variant has been performed. This variant is expected to be pathogenic with a positive predictive value of at least 99%. This is a validated machine learning model that incorporates the clinical features of 1,627,235 individuals referred to our laboratory for MSH6 testing. ClinVar contains an entry for this variant (Variation ID: 186361). Invitae Evidence Modeling incorporating data from in vitro experimental studies (internal data) indicates that this missense variant is expected to disrupt MSH6 function with a positive predictive value of 95%. This variant disrupts the p.Arg1076 amino acid residue in MSH6. Other variant(s) that disrupt this residue have been determined to be pathogenic (PMID: 15483016, 16418736, 16525781, 18409202, 18566915, 21039432; internal data). This suggests that this residue is clinically significant, and that variants that disrupt this residue are likely to be disease-causing. For these reasons, this variant has been classified as Pathogenic.

Ambry Genetics
Classification: Likely pathogenic for Hereditary cancer-predisposing syndrome. Last evaluated: 2025-10-16. Review status: criteria provided, single submitter. Criteria: Ambry Variant Classification Scheme 2023. Collection method: clinical testing. Allele origin: germline.
Comment: The p.R1076H variant (also known as c.3227G>A), located in coding exon 5 of the MSH6 gene, results from a G to A substitution at nucleotide position 3227. The arginine at codon 1076 is replaced by histidine, an amino acid with highly similar properties. This alteration has been identified in multiple individuals whose Lynch syndrome-associated tumors displayed isolated loss of MSH6 on immunohistochemistry (IHC) and/or had high microsatellite instability (MSI-H) (Ambry internal data). This alteration was reported in one family from a cohort of 59 Asian families meeting Amsterdam I or Amsterdam II criteria (Liu Y et al. PLoS ONE. 2014 Apr;9:e94170). This alteration has also been reported in multiple patients with a personal/family history of breast and/or ovarian cancer and patients with pancreatic cancer (Wong ESY et al. NPJ Genom. Med. 2016 Jan 13;1:15003; Maxwell KN et al. Am. J. Hum. Genet. 2016 May;98:801-817; Shindo K et al. J. Clin. Oncol. 2017 Oct;35:3382-3390; Hu H et al. J Am Coll Surg. 2020 11;231:527-535.e14). Another alteration at the same amino acid position, p.R1076C, has been reported in individuals with clinical features of hereditary non-polyposis colorectal cancer (HNPCC)/Lynch syndrome and constitutional mismatch repair deficiency (CMMRD) syndrome (Plaschke J et al. Eur. J. Hum. Genet. 2006 May;14:561-6; Okkels H et al. Int J Colorectal Dis. 2006 Dec;21:847-50; Rahner N et al. Am. J. Med. Genet. A. 2008 May;146A:1314-9; Schofield L et al. Int. J .Cancer. 2009 Sep;125:1492-3; Jasperson KW et al. Clin. Genet. 2011 Oct;80:394-7; Gard&egrave;s P et al. J. Immunol. 2012 Feb;188:2023-9). This amino acid position is highly conserved in available vertebrate species. In addition, this alteration is predicted to be deleterious by in silico analysis. Based on the majority of available evidence to date, this variant is likely to be pathogenic.

Color Diagnostics, LLC DBA Color Health
Classification: Likely pathogenic for Hereditary cancer-predisposing syndrome. Last evaluated: 2025-08-27. Review status: criteria provided, single submitter. Criteria: ACMG Guidelines, 2015. Collection method: clinical testing. Allele origin: germline.
Comment: This missense variant replaces arginine with histidine at codon 1076 of the MSH6 protein. Computational prediction suggests that this variant may have deleterious impact on protein structure and function. To our knowledge, functional studies have not been performed for this variant. This variant has been reported in individuals affected with Lynch syndrome, pancreatic, colorectal, and breast and/or ovarian cancers (PMID: 24710284, 26898890, 27153395, 28767289, 29263802, 31997046, 37088804ClinVar: SCV000216699.8communication with external laboratory). Different variants occurring at the same codon, c.3226C>T (p.Arg1076Cys) and c.3226C>G (p.Arg1076Gly), are well-documented pathogenic mutations (ClinVar Variation ID: 89357, 428337). This variant has been identified in 2/251346 chromosomes in the general population by the Genome Aggregation Database (gnomAD). Based on the available evidence, this variant is classified as Likely Pathogenic.

Laboratory of Genetics, Children's Clinical University Hospital Latvia
Classification: Pathogenic. Last evaluated: 2025-02-16. Review status: criteria provided, single submitter. Criteria: ACMG Guidelines, 2015. Collection method: clinical testing. Allele origin: germline. Affected: yes.